The following is an entry in ClinVar:

NM_006996.3(SLC19A2):c.391del (p.Tyr131fs)

Gene: SLC19A2 (solute carrier family 19 member 2; minus strand). Cytogenetic location: 1q24.2.
Variant type: Deletion.
Coding change: c.391del on transcript NM_006996.3 (MANE Select); coding-DNA position 391, one base deleted (T; older notation c.391delT).
Protein change: p.Tyr131fs; shifts the reading frame from tyrosine 131.
Molecular consequence: frameshift variant. On other transcripts: intron variant (1).
Genome position (GRCh38, 1-based): chr1:169,477,571, A deleted on the plus strand (T on the coding strand, the reverse complement: SLC19A2 is on the minus strand); the first of 7 consecutive A bases (chr1:169,477,571-169,477,577); deleting any one gives the same sequence. VCF-style (leftmost placement, unchanged base first): chr1-169477570-TA-T. GRCh37 (hg19) VCF-style: chr1-169446808-TA-T.
Other names: c.205-7385del (NM_001319667.1); short protein forms Y131fs.
Identifiers: ClinVar variation 2859272 (VCV002859272.3), dbSNP rs1658354243, ClinGen allele CA421929928.

ClinVar aggregate classification (germline): Pathogenic (1 of 4 stars; one submission).

Submission:

Labcorp Genetics (formerly Invitae), Labcorp
Classification: Pathogenic. Last evaluated: 2024-03-06. Review status: criteria provided, single submitter. Criteria: Invitae Variant Classification Sherloc (09022015). Collection method: clinical testing. Allele origin: germline.
Comment: This sequence change creates a premature translational stop signal (p.Tyr131Metfs*45) in the SLC19A2 gene. It is expected to result in an absent or disrupted protein product. Loss-of-function variants in SLC19A2 are known to be pathogenic (PMID: 10391221, 10391223, 10874303). This variant is not present in population databases (gnomAD no frequency). This variant has not been reported in the literature in individuals affected with SLC19A2-related conditions. For these reasons, this variant has been classified as Pathogenic.

Literature cited by the submitters: PubMed 10391221; PubMed 10391223; PubMed 10874303.